The following is an entry in ClinVar:

ClinVar aggregate classification (germline): Uncertain significance. Review status: criteria provided, multiple submitters, no conflicts (2 of 4 stars). 2 submissions from 2 submitters: Uncertain significance (2). Last evaluated 2023-05-30.

Conditions:
Inborn genetic diseases. Identifiers: MedGen C0950123, MeSH D030342.

Allele frequency attached by ClinVar (database versions not stated): gnomAD exomes below 0.00001.
gnomAD v4.1: 1 of 1,612,032 alleles (0.000062%); highest among the groups gnomAD compares: Admixed American, 0.0017%; no homozygotes.

Submissions (2):

GeneDx
Classification: Uncertain significance. Last evaluated: 2023-05-30. Review status: criteria provided, single submitter. Criteria: GeneDx Variant Classification Process June 2021. Collection method: clinical testing. Allele origin: germline. Affected: yes.
Comment: Not observed at significant frequency in large population cohorts (gnomAD); In silico analysis supports that this missense variant does not alter protein structure/function; Has not been previously published as pathogenic or benign to our knowledge

Ambry Genetics
Classification: Uncertain significance for Inborn genetic diseases. Last evaluated: 2022-09-16. Review status: criteria provided, single submitter. Criteria: Ambry Variant Classification Scheme 2023. Collection method: clinical testing. Allele origin: germline.

NM_173630.4(RTTN):c.4616A>G (p.Asp1539Gly)

Gene: RTTN (rotatin; minus strand). Cytogenetic location: 18q22.2.
Variant type: single nucleotide variant.
Coding change: c.4616A>G on transcript NM_173630.4 (MANE Select); coding-DNA position 4616, A replaced by G.
Protein change: p.Asp1539Gly; replaces aspartic acid 1539 with glycine.
Molecular consequence: missense variant.
Genome position (GRCh38, 1-based): chr18:70,073,943, T>C on the plus strand (A>G on the coding strand, the complement: RTTN is on the minus strand). VCF-style: chr18-70073943-T-C. GRCh37 (hg19) VCF-style: chr18-67741179-T-C.
Other names: c.1880A>G, p.Asp627Gly (NM_001318520.2); short protein forms D627G, D1539G.
Identifiers: ClinVar variation 3157117 (VCV003157117.2), dbSNP rs745777553, ClinGen allele CA8995196.